The following is an entry in ClinVar:

ClinVar aggregate classification (germline): Likely benign. Review status: criteria provided, multiple submitters, no conflicts (2 of 4 stars). 2 submissions from 2 submitters: Likely benign (2). Last evaluated 2023-05-16.

Allele frequency attached by ClinVar (database versions not stated): TOPMed 0.00001; ExAC 0.00003; gnomAD 0.00003; gnomAD exomes 0.00003 and 0.00004; ESP Exome Variant Server 0.00008.
gnomAD v4.1: 43 of 1,613,320 alleles (0.0027%); highest among the groups gnomAD compares: Middle Eastern, 0.016%; no homozygotes.

Submissions (2):

Labcorp Genetics (formerly Invitae), Labcorp
Classification: Likely benign. Last evaluated: 2023-05-16. Review status: criteria provided, single submitter. Criteria: Invitae Variant Classification Sherloc (09022015). Collection method: clinical testing. Allele origin: germline.

CeGaT Center for Human Genetics Tuebingen
Classification: Likely benign. Last evaluated: 2022-11-01. Review status: criteria provided, single submitter. Criteria: CeGaT Center For Human Genetics Tuebingen Variant Classification Criteria Version 2. Collection method: clinical testing. Allele origin: germline. Affected: yes. Observed: 1 variant allele.
Comment: HERC1: BP4, BP7

NM_003922.4(HERC1):c.5025G>A (p.Thr1675=)

Gene: HERC1 (HECT and RLD domain containing E3 ubiquitin protein ligase family member 1; minus strand). Cytogenetic location: 15q22.31.
Variant type: single nucleotide variant.
Coding change: c.5025G>A on transcript NM_003922.4 (MANE Select); coding-DNA position 5025, G replaced by A.
Protein change: p.Thr1675=; no amino-acid change (threonine 1675 retained).
Molecular consequence: synonymous variant.
Genome position (GRCh38, 1-based): chr15:63,696,220, C>T on the plus strand (G>A on the coding strand, the complement: HERC1 is on the minus strand). VCF-style: chr15-63696220-C-T. GRCh37 (hg19) VCF-style: chr15-63988419-C-T.
Identifiers: ClinVar variation 743748 (VCV000743748.30), dbSNP rs377147575, ClinGen allele CA7605658.